The following is an entry in ClinVar:

ClinVar aggregate classification (germline): Likely pathogenic. Review status: criteria provided, multiple submitters, no conflicts (2 of 4 stars). 3 submissions from 3 submitters: Likely pathogenic (3). Last evaluated 2024-10-21.

Conditions:
Arthrogryposis multiplex congenita 6. Identifiers: MedGen C5543431, MONDO:0030281, OMIM 619334.
Nemaline myopathy 2 (NEM2). Also called: Nemaline myopathy 2, autosomal recessive. Identifiers: MedGen C1850569, MONDO:0009725, OMIM 256030.

Allele frequency attached by ClinVar (database versions not stated): gnomAD exomes below 0.00001; ExAC 0.00001.
gnomAD v4.1: 1 of 1,613,932 alleles (0.000062%); highest among the groups gnomAD compares: Non-Finnish European, 0.000085%; no homozygotes.

Submissions (3):

Natera, Inc.
Classification: Likely pathogenic for Nemaline myopathy type 2. Last evaluated: 2024-10-21. Review status: criteria provided, single submitter. Criteria: Natera Variant Classification Schema (03/2026). Collection method: clinical testing. Allele origin: germline.
Comment: The c.8516G>A variant in NEB is a nonsense variant predicted to introduce a stop codon at amino acid 2839. This variant is expected to result in nonsense mediated decay, truncation, or a dysfunctional protein product. This variant is rare in the general population with a frequency below the threshold expected for the associated phenotype(s). Given the available evidence, this variant is classified as Likely Pathogenic.

Baylor Genetics
Classification: Likely pathogenic for Arthrogryposis multiplex congenita 6. Last evaluated: 2023-08-23. Review status: criteria provided, single submitter. Criteria: ACMG Guidelines, 2015. Collection method: clinical testing. Allele origin: unknown.

Molecular Genetics Department, Kulakov National Medical Research Center for Obstetrics, Gynecology and Perinatology
Classification: Likely pathogenic for Nemaline myopathy 2; Arthrogryposis multiplex congenita 6. Review status: criteria provided, single submitter. Criteria: ACMG Guidelines, 2015. Collection method: clinical testing. Allele origin: germline. Affected: yes. Observed: 1 variant allele.
Comment: A previously undescribed heterozygous nucleotide variant creates a premature translation stop signal p.Trp2839Ter in the NEB gene (rs772959616). Homozygous and compound heterozygous variants are reported in patients with arthrogryposis multiplex congenita 6, 619334; Nemaline myopathy 2, autosomal recessive, 256030. The variant is not present in population database (gnomAD no frequency). The variant is found in trans-position with the NEB variant (NM_001164508: c.2331dup). In summary, the currently available evidence indicates that the variant is pathogenic, but additional data are needed to prove that conclusively. Therefore, this variant has been classified as likely pathogenic.

NM_001164508.2(NEB):c.8516G>A (p.Trp2839Ter)

Gene: NEB (nebulin; minus strand). Cytogenetic location: 2q23.3.
Variant type: single nucleotide variant.
Coding change: c.8516G>A on transcript NM_001164508.2 (MANE Select); coding-DNA position 8516, G replaced by A.
Protein change: p.Trp2839Ter; replaces tryptophan 2839 with a stop codon.
Molecular consequence: nonsense.
Genome position (GRCh38, 1-based): chr2:151,640,524, C>T on the plus strand (G>A on the coding strand, the complement: NEB is on the minus strand). VCF-style: chr2-151640524-C-T. GRCh37 (hg19) VCF-style: chr2-152497038-C-T.
Other names: c.8516G>A, p.Trp2839Ter (NM_001164507.2, NM_001271208.2, NM_004543.5); short protein forms W2839*.
Identifiers: ClinVar variation 2677052 (VCV002677052.3), dbSNP rs772959616, ClinGen allele CA1909563.